The following is an entry in ClinVar:

ClinVar aggregate classification (germline): Benign/Likely benign. Review status: criteria provided, multiple submitters, no conflicts (2 of 4 stars). 11 submissions from 11 submitters: Benign (5); Likely benign (4). 2 of the submissions do not count toward it. Last evaluated 2026-02-02.

Conditions:
Cardiovascular phenotype. Identifiers: MedGen CN230736.
Woolly hair-skin fragility syndrome (WHSF). Identifiers: Orphanet 293165, MedGen C1843292, MONDO:0957307, OMIM 620415.
Lethal acantholytic epidermolysis bullosa (EBLA). Identifiers: Orphanet 158687, MedGen C1864826, MONDO:0012323, OMIM 609638.
Arrhythmogenic cardiomyopathy with wooly hair and keratoderma. Also called: Carvajal syndrome; Dilated cardiomyopathy with woolly hair and keratoderma; PALMOPLANTAR KERATODERMA WITH LEFT VENTRICULAR CARDIOMYOPATHY AND WOOLLY HAIR; Arrhythmogenic cardiomyopathy with woolly hair and keratoderma. Identifiers: Orphanet 65282, MedGen C1854063, MONDO:0011581, OMIM 605676.
Arrhythmogenic right ventricular dysplasia 8 (ARVD8). Also called: Arrhythmogenic Right Ventricular Dysplasia/Cardiomyopathy 8; ARRHYTHMOGENIC RIGHT VENTRICULAR DYSPLASIA, FAMILIAL, 8; ARRHYTHMOGENIC RIGHT VENTRICULAR CARDIOMYOPATHY 8. Identifiers: MedGen C1843896, MONDO:0011831, OMIM 607450.
Cardiomyopathy, dilated, with wooly hair, keratoderma, and tooth agenesis. Also called: Erythrokeratodermia-cardiomyopathy syndrome; Cardiomyopathy, dilated, with woolly hair, keratoderma, and tooth agenesis. Identifiers: Orphanet 476096, Orphanet 65282, MedGen C4014393, MONDO:0014355, OMIM 615821.
Keratosis palmoplantaris striata 2. Also called: Keratosis palmoplantaris striata II; KERATODERMA, PALMOPLANTAR, STRIATE FORM II; STRIATE PALMOPLANTAR KERATODERMA II. Identifiers: MedGen C1852127, MONDO:0013034, OMIM 612908.
Cardiomyopathy (CMYO). Also called: Cardiomyopathies. Identifiers: Orphanet 167848, MedGen C0878544, MONDO:0004994, HP:0001638. Inheritance: Various modes of inheritance.

Allele frequency attached by ClinVar (database versions not stated): gnomAD exomes 0.00011 and 0.00030; ExAC 0.00035; 1000 Genomes Project 0.00060; 1000 Genomes Project 30x 0.00078; ESP Exome Variant Server 0.00115; gnomAD 0.00119 and 0.00124; TOPMed 0.00120.
gnomAD v4.1: 339 of 1,613,826 alleles (0.021%); highest among the groups gnomAD compares: African/African-American, 0.43%; 2 homozygotes.

Submissions (11):

Labcorp Genetics (formerly Invitae), Labcorp
Classification: Benign for Arrhythmogenic cardiomyopathy with wooly hair and keratoderma; Arrhythmogenic right ventricular dysplasia 8. Last evaluated: 2026-02-02. Review status: criteria provided, single submitter. Criteria: Invitae Variant Classification Sherloc (09022015). Collection method: clinical testing. Allele origin: germline.

Blueprint Genetics
Classification: Likely benign. Last evaluated: 2024-07-18. Review status: criteria provided, single submitter. Criteria: ACMG Guidelines, 2015. Collection method: clinical testing. Allele origin: germline.

All of Us Research Program, National Institutes of Health
Classification: Benign for Arrhythmogenic cardiomyopathy with wooly hair and keratoderma. Last evaluated: 2024-02-05. Review status: criteria provided, single submitter. Criteria: ACMG Guidelines, 2015. Collection method: clinical testing. Allele origin: germline. Inheritance: Autosomal dominant inheritance. Observed: 57 variant alleles, 57 heterozygotes.
Comment: This study involves interpretation of variants in research participants for the purpose of population health screening. Participant phenotype was not available at the time of variant classification. Additional details can be found in publication PMID: 35346344, PMCID: PMC8962531

Fulgent Genetics
Classification: Likely benign for Arrhythmogenic cardiomyopathy with wooly hair and keratoderma; Arrhythmogenic right ventricular dysplasia 8; Lethal acantholytic epidermolysis bullosa; Keratosis palmoplantaris striata 2; Cardiomyopathy, dilated, with wooly hair, keratoderma, and tooth agenesis. Last evaluated: 2021-09-20. Review status: criteria provided, single submitter. Criteria: ACMG Guidelines, 2015. Collection method: clinical testing. Allele origin: unknown.

GeneDx
Classification: Likely benign. Last evaluated: 2020-10-21. Review status: criteria provided, single submitter. Criteria: GeneDx Variant Classification Process June 2021. Collection method: clinical testing. Allele origin: germline. Affected: yes.

Color Diagnostics, LLC DBA Color Health
Classification: Benign for Cardiomyopathy. Last evaluated: 2018-11-25. Review status: criteria provided, single submitter. Criteria: ACMG Guidelines, 2015. Collection method: clinical testing. Allele origin: germline.

Women's Health and Genetics/Laboratory Corporation of America, LabCorp
Classification: Benign. Last evaluated: 2018-05-29. Review status: criteria provided, single submitter. Criteria: LabCorp Variant Classification Summary - May 2015. Collection method: clinical testing. Allele origin: germline.
Comment: Variant summary: DSP c.522T>C alters a non-conserved nucleotide resulting in a synonymous change. The variant allele was found at a frequency of 0.00041 in 277036 control chromosomes, predominantly at a frequency of 0.0046 within the African subpopulation in the gnomAD database, including 1 homozygotes. The observed variant frequency within African control individuals in the gnomAD database is approximately 184 fold of the estimated maximal expected allele frequency for a pathogenic variant in DSP causing Cardiomyopathy phenotype (2.5e-05), strongly suggesting that the variant is a benign polymorphism found primarily in populations of African origin. To our knowledge, no occurrence of c.522T>C in individuals affected with Cardiomyopathy and no experimental evidence demonstrating its impact on protein function have been reported. Three clinical diagnostic laboratories have submitted clinical-significance assessments for this variant to ClinVar after 2014 without evidence for independent evaluation. All laboratories classified the variant as benign/likely benign. Based on the evidence outlined above, the variant was classified as benign.

Ambry Genetics
Classification: Likely benign for Cardiovascular phenotype. Last evaluated: 2016-05-25. Review status: criteria provided, single submitter. Criteria: Ambry Variant Classification Scheme 2023. Collection method: clinical testing. Allele origin: germline.

Laboratory for Molecular Medicine, Mass General Brigham Personalized Medicine
Classification: Benign. Last evaluated: 2012-03-19. Review status: criteria provided, single submitter. Criteria: LMM Criteria. Collection method: clinical testing. Allele origin: germline. Observed: 3 variant alleles.
Comment: p.Cys174Cys in Exon 04 of DSP: This variant is not expected to have clinical sig nificance because it does not alter an amino acid residue, is not located within the splice consensus sequence and has been identified in 0.3% (13/3738) of Afri can American chromosomes from a broad population by the NHLBI Exome Sequencing P roject (dbSNP rs144781697).

Clinical Genetics, Academic Medical Center
Classification: Benign. Review status: no assertion criteria provided. Collection method: clinical testing. Allele origin: germline. Affected: yes. Study: VKGL Data-share Consensus. Not counted in ClinVar's aggregate classification.

Diagnostic Laboratory, Department of Genetics, University Medical Center Groningen
Classification: Likely benign. Review status: no assertion criteria provided. Collection method: clinical testing. Allele origin: germline. Affected: yes. Study: VKGL Data-share Consensus. Not counted in ClinVar's aggregate classification.

NM_004415.4(DSP):c.522T>C (p.Cys174=)

Gene: DSP (desmoplakin; plus strand). Cytogenetic location: 6p24.3.
Variant type: single nucleotide variant.
Coding change: c.522T>C on transcript NM_004415.4 (MANE Select); coding-DNA position 522, T replaced by C.
Protein change: p.Cys174=; no amino-acid change (cysteine 174 retained).
Molecular consequence: synonymous variant.
Genome position (GRCh38, 1-based): chr6:7,559,325, T>C. VCF-style: chr6-7559325-T-C. GRCh37 (hg19) VCF-style: chr6-7559558-T-C.
Other names: c.522T>C, p.Cys174= (NM_001008844.3, NM_001319034.2).
Identifiers: ClinVar variation 163239 (VCV000163239.29), dbSNP rs144781697, ClinGen allele CA006413.
Genomic context (GRCh38, chr6:7,559,325, plus strand): 5'-AGCCATCAGTGTCCCTCGAGTCCGCAGGGCCAGCTCCAAGGGTGGTGGAGGCTACACTTG[T>C]CAGAGTGGCTCTGGCTGGGATGAGTTCACCAAACATGTCACCAGTGAATGTTTGGGGTGG-3'
Protein context (NP_004406.2, residues 164-184): ASSKGGGGYT[Cys174=]QSGSGWDEFT